The following is an entry in ClinVar:

ClinVar aggregate classification (germline): Uncertain significance (1 of 4 stars; one submission).

Submission:

Labcorp Genetics (formerly Invitae), Labcorp
Classification: Uncertain significance. Last evaluated: 2023-05-11. Review status: criteria provided, single submitter. Criteria: Invitae Variant Classification Sherloc (09022015). Collection method: clinical testing. Allele origin: germline.
Comment: This variant has not been reported in the literature in individuals affected with POLA1-related conditions. This variant, c.77_78insTGA, is a complex sequence change that results in the deletion of 1 and insertion of 2 amino acid(s) in the POLA1 protein (p.Lys26delinsAsnGlu). This variant is not present in population databases (gnomAD no frequency). Experimental studies and prediction algorithms are not available or were not evaluated, and the functional significance of this variant is currently unknown. In summary, the available evidence is currently insufficient to determine the role of this variant in disease. Therefore, it has been classified as a Variant of Uncertain Significance.

NM_001330360.2(POLA1):c.95_96insTGA (p.Lys32delinsAsnGlu)

Gene: POLA1 (DNA polymerase alpha 1, catalytic subunit; plus strand). Cytogenetic location: Xp22.11.
Variant type: Insertion.
Coding change: c.95_96insTGA on transcript NM_001330360.2 (MANE Select); coding-DNA positions 95 to 96, TGA inserted.
Protein change: p.Lys32delinsAsnGlu.
Molecular consequence: inframe indel. On other transcripts: non-coding transcript variant (2).
Genome position: GRCh38 VCF-style: chrX-24699475-A-AATG. GRCh37 (hg19) VCF-style: chrX-24717592-A-AATG.
Other names: c.95_96insTGA, p.Lys32delinsAsnGlu (NM_001378303.1); c.77_78insTGA, p.Lys26delinsAsnGlu (NM_016937.4).
Identifiers: ClinVar variation 2863243 (VCV002863243.3), dbSNP rs2518705886, ClinGen allele CA2739268128.